The following is an entry in ClinVar:

NM_030632.3(ASXL3):c.6710del (p.Pro2237fs)

Gene: ASXL3 (ASXL transcriptional regulator 3; plus strand). Cytogenetic location: 18q12.1.
Variant type: Deletion.
Coding change: c.6710del on transcript NM_030632.3 (MANE Select); coding-DNA position 6710, one base deleted (C; older notation c.6710delC).
Protein change: p.Pro2237fs; shifts the reading frame from proline 2237.
Molecular consequence: frameshift variant.
Genome position (GRCh38, 1-based): chr18:33,746,558, C deleted; the last of 2 consecutive C bases (chr18:33,746,557-33,746,558); deleting either gives the same sequence. VCF-style (leftmost placement, unchanged base first): chr18-33746556-TC-T. GRCh37 (hg19) VCF-style: chr18-31326520-TC-T.
Other names: short protein forms P2237fs.
Identifiers: ClinVar variation 4527978 (VCV004527978.1).

ClinVar aggregate classification (germline): Uncertain significance (1 of 4 stars; one submission).

Submission:

GeneDx
Classification: Uncertain significance. Last evaluated: 2025-04-30. Review status: criteria provided, single submitter. Criteria: GeneDx Variant Classification Process June 2021. Collection method: clinical testing. Allele origin: germline. Affected: yes.
Comment: Frameshift variant predicted to result in abnormal protein length as the last 12 amino acids are replaced with 5 different amino acids; Not observed at significant frequency in large population cohorts (gnomAD); Has not been previously published as pathogenic or benign to our knowledge